The following is an entry in ClinVar:

NM_020937.4(FANCM):c.494T>A (p.Met165Lys)

Gene: FANCM (FA complementation group M; plus strand). Cytogenetic location: 14q21.2.
Variant type: single nucleotide variant.
Coding change: c.494T>A on transcript NM_020937.4 (MANE Select); coding-DNA position 494, T replaced by A.
Protein change: p.Met165Lys; replaces methionine 165 with lysine.
Molecular consequence: missense variant.
Genome position (GRCh38, 1-based): chr14:45,136,525, T>A. VCF-style: chr14-45136525-T-A. GRCh37 (hg19) VCF-style: chr14-45605728-T-A.
Other names: c.494T>A, p.Met165Lys (NM_001308133.2, NM_001308134.2); short protein forms M165K.
Identifiers: ClinVar variation 3848534 (VCV003848534.1).

ClinVar aggregate classification (germline): Uncertain significance (1 of 4 stars; one submission).

Conditions:
Inborn genetic diseases. Identifiers: MedGen C0950123, MeSH D030342.

Submission:

Ambry Genetics
Classification: Uncertain significance for Inborn genetic diseases. Last evaluated: 2024-12-22. Review status: criteria provided, single submitter. Criteria: Ambry Variant Classification Scheme 2023. Collection method: clinical testing. Allele origin: germline.
Comment: The p.M165K variant (also known as c.494T>A), located in coding exon 1 of the FANCM gene, results from a T to A substitution at nucleotide position 494. The methionine at codon 165 is replaced by lysine, an amino acid with similar properties. This amino acid position is conserved. In addition, the in silico prediction for this alteration is inconclusive. Based on the available evidence, the clinical significance of this variant remains unclear.